The following is an entry in ClinVar:

ClinVar aggregate classification (germline): Uncertain significance. Review status: criteria provided, multiple submitters, no conflicts (2 of 4 stars). 3 submissions from 3 submitters: Uncertain significance (3). Last evaluated 2026-06-24.

Conditions:
SALL1-related disorder. Also called: SALL1-related condition.
Inborn genetic diseases. Identifiers: MedGen C0950123, MeSH D030342.

Allele frequency attached by ClinVar (database versions not stated): gnomAD 0.00001 and 0.00003; ExAC 0.00002; gnomAD exomes 0.00003; TOPMed 0.00004.
gnomAD v4.1: 153 of 1,614,030 alleles (0.0095%); highest among the groups gnomAD compares: Middle Eastern, 0.016%; no homozygotes.

Submissions (3):

PreventionGenetics, part of Exact Sciences
Classification: Uncertain significance for SALL1-related condition. Last evaluated: 2026-06-24. Review status: criteria provided, single submitter. Criteria: ACMG Guidelines, 2015. Collection method: clinical testing. Allele origin: germline.
Comment: The SALL1 c.2069A>G variant is predicted to result in the amino acid substitution p.Lys690Arg. To our knowledge, this variant has not been reported in the literature. This variant is reported in 0.0062% of alleles in individuals of African descent in gnomAD. At this time, the clinical significance of this variant is uncertain due to the absence of conclusive functional and genetic evidence.

Ambry Genetics
Classification: Uncertain significance for Inborn genetic diseases. Last evaluated: 2023-04-08. Review status: criteria provided, single submitter. Criteria: Ambry Variant Classification Scheme 2023. Collection method: clinical testing. Allele origin: germline.

GeneDx
Classification: Uncertain significance. Last evaluated: 2021-04-14. Review status: criteria provided, single submitter. Criteria: GeneDx Variant Classification Process June 2021. Collection method: clinical testing. Allele origin: germline. Affected: yes.
Comment: In silico analysis supports that this missense variant has a deleterious effect on protein structure/function; Has not been previously published as pathogenic or benign to our knowledge

NM_002968.3(SALL1):c.2069A>G (p.Lys690Arg)

Gene: SALL1 (spalt like transcription factor 1; minus strand). Cytogenetic location: 16q12.1.
Variant type: single nucleotide variant.
Coding change: c.2069A>G on transcript NM_002968.3 (MANE Select); coding-DNA position 2069, A replaced by G.
Protein change: p.Lys690Arg; replaces lysine 690 with arginine.
Molecular consequence: missense variant.
Genome position (GRCh38, 1-based): chr16:51,140,153, T>C on the plus strand (A>G on the coding strand, the complement: SALL1 is on the minus strand). VCF-style: chr16-51140153-T-C. GRCh37 (hg19) VCF-style: chr16-51174064-T-C.
Other names: c.1778A>G, p.Lys593Arg (NM_001127892.2); short protein forms K593R, K690R.
Identifiers: ClinVar variation 1208519 (VCV001208519.6), dbSNP rs752288194, ClinGen allele CA8053164.